The following is an entry in ClinVar:

NM_005458.8(GABBR2):c.2542+7G>A

Gene: GABBR2 (gamma-aminobutyric acid type B receptor subunit 2; minus strand). Cytogenetic location: 9q22.33.
Variant type: single nucleotide variant.
Coding change: c.2542+7G>A on transcript NM_005458.8 (MANE Select); 7 bases into the intron after coding-DNA position 2542, G replaced by A.
Molecular consequence: intron variant.
Genome position (GRCh38, 1-based): chr9:98,299,217, C>T on the plus strand (G>A on the coding strand, the complement: GABBR2 is on the minus strand). VCF-style: chr9-98299217-C-T. GRCh37 (hg19) VCF-style: chr9-101061499-C-T.
Identifiers: ClinVar variation 1084779 (VCV001084779.25), dbSNP rs371247282, ClinGen allele CA5152447.

ClinVar aggregate classification (germline): Likely benign. Review status: criteria provided, multiple submitters, no conflicts (2 of 4 stars). 2 submissions from 2 submitters: Likely benign (2). Last evaluated 2026-01-19.

Conditions:
Epileptic encephalopathy. Identifiers: MedGen C0543888, HP:0200134.

Allele frequency attached by ClinVar (database versions not stated): TOPMed 0.00003; ESP Exome Variant Server 0.00015.
gnomAD v4.1: 26 of 1,613,576 alleles (0.0016%); highest among the groups gnomAD compares: African/African-American, 0.008%; no homozygotes.

Submissions (2):

Labcorp Genetics (formerly Invitae), Labcorp
Classification: Likely benign for Epileptic encephalopathy. Last evaluated: 2026-01-19. Review status: criteria provided, single submitter. Criteria: Invitae Variant Classification Sherloc (09022015). Collection method: clinical testing. Allele origin: germline.

CeGaT Center for Human Genetics Tuebingen
Classification: Likely benign. Last evaluated: 2024-08-01. Review status: criteria provided, single submitter. Criteria: CeGaT Center For Human Genetics Tuebingen Variant Classification Criteria Version 2. Collection method: clinical testing. Allele origin: germline. Affected: yes. Observed: 1 variant allele.
Comment: GABBR2: BP4